The following is an entry in ClinVar:

ClinVar aggregate classification (germline): Conflicting classifications of pathogenicity. Review status: criteria provided, conflicting classifications (1 of 4 stars). 6 submissions from 6 submitters: Uncertain significance (2); Likely benign (4). Last evaluated 2026-01-19.

Conditions:
Hereditary spastic paraplegia. Also called: Familial spastic paraparesis. Identifiers: Orphanet 685, MedGen C0037773, MONDO:0019064. Disease mechanism: loss of function.
Mast syndrome. Also called: SPASTIC PARAPLEGIA 21, AUTOSOMAL RECESSIVE. Identifiers: Orphanet 101001, MedGen C1855346, MONDO:0009568, OMIM 248900.

Allele frequency attached by ClinVar (database versions not stated): ESP Exome Variant Server 0.00031; gnomAD 0.00044 and 0.00052; TOPMed 0.00051; ExAC 0.00054; gnomAD exomes 0.00056 and 0.00077; 1000 Genomes Project 30x 0.00078; 1000 Genomes Project 0.00080.
gnomAD v4.1: 1,183 of 1,614,038 alleles (0.073%); highest among the groups gnomAD compares: Middle Eastern, 0.18%; 2 homozygotes.

Submissions (6):

Labcorp Genetics (formerly Invitae), Labcorp
Classification: Likely benign for Mast syndrome. Last evaluated: 2026-01-19. Review status: criteria provided, single submitter. Criteria: Invitae Variant Classification Sherloc (09022015). Collection method: clinical testing. Allele origin: germline.

CeGaT Center for Human Genetics Tuebingen
Classification: Likely benign. Last evaluated: 2023-07-01. Review status: criteria provided, single submitter. Criteria: CeGaT Center For Human Genetics Tuebingen Variant Classification Criteria Version 2. Collection method: clinical testing. Allele origin: germline. Affected: yes. Observed: 1 variant allele.
Comment: SPG21: BP4, BP7

Genome Diagnostics Laboratory, The Hospital for Sick Children
Classification: Uncertain significance for Hereditary spastic paraplegia. Last evaluated: 2020-05-01. Review status: criteria provided, single submitter. Criteria: ACMG Guidelines, 2015. Collection method: clinical testing. Allele origin: germline. Affected: yes.

Illumina Laboratory Services, Illumina
Classification: Uncertain significance for Mast syndrome. Last evaluated: 2018-01-13. Review status: criteria provided, single submitter. Criteria: ICSL Variant Classification Criteria 13 December 2019. Collection method: clinical testing. Allele origin: germline.

GeneDx
Classification: Likely benign. Last evaluated: 2017-12-27. Review status: criteria provided, single submitter. Criteria: GeneDx Variant Classification (06012015). Collection method: clinical testing. Allele origin: germline. Affected: yes.
Comment: This variant is considered likely benign or benign based on one or more of the following criteria: it is a conservative change, it occurs at a poorly conserved position in the protein, it is predicted to be benign by multiple in silico algorithms, and/or has population frequency not consistent with disease.

Athena Diagnostics
Classification: Likely benign. Last evaluated: 2016-09-19. Review status: criteria provided, single submitter. Criteria: Athena Diagnostics Criteria. Collection method: clinical testing. Allele origin: germline.

NM_016630.7(SPG21):c.846G>A (p.Ala282=)

Gene: SPG21 (SPG21 abhydrolase domain containing, maspardin; minus strand). Cytogenetic location: 15q22.31.
Variant type: single nucleotide variant.
Coding change: c.846G>A on transcript NM_016630.7 (MANE Select); coding-DNA position 846, G replaced by A.
Protein change: p.Ala282=; no amino-acid change (alanine 282 retained).
Molecular consequence: synonymous variant.
Genome position (GRCh38, 1-based): chr15:64,963,701, C>T on the plus strand (G>A on the coding strand, the complement: SPG21 is on the minus strand). VCF-style: chr15-64963701-C-T. GRCh37 (hg19) VCF-style: chr15-65256042-C-T.
Other names: c.846G>A, p.Ala282= (NM_001127889.5); c.765G>A, p.Ala255= (NM_001127890.5).
Identifiers: ClinVar variation 215896 (VCV000215896.42), dbSNP rs146986015, ClinGen allele CA338450.